The following is an entry in ClinVar:

ClinVar aggregate classification (germline): Likely pathogenic. Review status: criteria provided, multiple submitters, no conflicts (2 of 4 stars). 4 submissions from 4 submitters: Likely pathogenic (3). 1 of the submissions does not count toward it. Last evaluated 2022-07-19.

Conditions:
Dilated cardiomyopathy 1G (CMD1G). Identifiers: Orphanet 154, MedGen C1858763, MONDO:0011400, OMIM 604145.
Autosomal recessive limb-girdle muscular dystrophy type 2J (LGMDR10). Also called: Limb-girdle muscular dystrophy, type 2J; MUSCULAR DYSTROPHY, LIMB-GIRDLE, AUTOSOMAL RECESSIVE 10. Identifiers: Orphanet 140922, MedGen C1837342, MONDO:0012127, OMIM 608807.
TTN-related disorder. Also called: TTN-related condition; TTN-related disease; TTN-related disorders.
Early-onset myopathy with fatal cardiomyopathy (CMYO5). Also called: Salih Myopathy; CONGENITAL MYOPATHY 5 WITH CARDIOMYOPATHY. Identifiers: Orphanet 289377, MedGen C2673677, MONDO:0012714, OMIM 611705. Disease mechanism: loss of function.

Submissions (4):

Labcorp Genetics (formerly Invitae), Labcorp
Classification: Likely pathogenic for Dilated cardiomyopathy 1G; Autosomal recessive limb-girdle muscular dystrophy type 2J. Last evaluated: 2022-07-19. Review status: criteria provided, single submitter. Criteria: Invitae Variant Classification Sherloc (09022015). Collection method: clinical testing. Allele origin: germline.
Comment: In summary, the currently available evidence indicates that the variant is pathogenic, but additional data are needed to prove that conclusively. Therefore, this variant has been classified as Likely Pathogenic. This variant is located in the A band of TTN (PMID: 25589632). Truncating variants in this region are significantly overrepresented in patients affected with dilated cardiomyopathy (PMID: 25589632). Truncating variants in this region have also been reported in individuals affected with autosomal recessive centronuclear myopathy (PMID: 23975875). Algorithms developed to predict the effect of sequence changes on RNA splicing suggest that this variant may disrupt the consensus splice site. ClinVar contains an entry for this variant (Variation ID: 666352). This variant has not been reported in the literature in individuals affected with TTN-related conditions. This variant is not present in population databases (gnomAD no frequency). This sequence change affects a donor splice site in intron 289 of the TTN gene. It is expected to disrupt RNA splicing and likely results in a truncated or disrupted TTN protein.

Laboratorio de Genetica e Diagnostico Molecular, Hospital Israelita Albert Einstein
Classification: Likely pathogenic for TTN-related disease. Last evaluated: 2020-01-03. Review status: criteria provided, single submitter. Criteria: ACMG Guidelines, 2015. Collection method: clinical testing. Allele origin: germline.
Comment: ACMG classification criteria: PVS1, PM2

Equipe Genetique des Anomalies du Developpement, Université de Bourgogne
Classification: Likely pathogenic for Early-onset myopathy with fatal cardiomyopathy. Review status: criteria provided, single submitter. Criteria: ACMG Guidelines, 2007. Collection method: clinical testing. Allele origin: inherited. Affected: yes.

Cardiogenetics and Myogenetics Molecular and Cellular Functional Unit, Aphp Sorbonne University-Hopital Pitie Salpetriere
Classification: Uncertain significance for Dilated cardiomyopathy 1G. Last evaluated: 2024-01-07. Review status: no assertion criteria provided. Collection method: clinical testing. Allele origin: germline. Affected: yes. Not counted in ClinVar's aggregate classification.

Literature cited by the submitters: PubMed 25589632 (cited by Labcorp Genetics (formerly Invitae), Labcorp); PubMed 23975875 (cited by Labcorp Genetics (formerly Invitae), Labcorp).

NM_001267550.2(TTN):c.56347+1G>A

Genes: TTN (titin; minus strand), TTN-AS1 (TTN antisense RNA 1; plus strand). Cytogenetic location: 2q31.2.
Variant type: single nucleotide variant.
Coding change: c.56347+1G>A on transcript NM_001267550.2 (MANE Select); the canonical splice donor site of the intron after coding-DNA position 56347, G replaced by A.
Molecular consequence: splice donor variant.
Genome position (GRCh38, 1-based): chr2:178,599,553, C>T on the plus strand (G>A on the coding strand, the complement: TTN is on the minus strand). VCF-style: chr2-178599553-C-T. GRCh37 (hg19) VCF-style: chr2-179464280-C-T.
Other names: c.29152+1G>A (NM_003319.4); c.29728+1G>A (NM_133437.4); c.29527+1G>A (NM_133432.3); c.48643+1G>A (NM_133378.4); c.51424+1G>A (NM_001256850.1).
Identifiers: ClinVar variation 666352 (VCV000666352.12), dbSNP rs1576251664, ClinGen allele CA349532918.
Genomic context (GRCh38, chr2:178,599,553, plus strand): 5'-AGCCAAATGTTATTTATGAACAGAAAAACAAGTAATTTTAACCAAACCATGCAGTCTTTA[C>T]CCAGGACATTCAGTCTCATCTCCTTTGATGCTGTTCCCAGATTATTTACAGCTGTGATGG-3'